The following is an entry in ClinVar:

ClinVar aggregate classification (germline): Uncertain significance (0 of 4 stars; one submission).

Conditions:
PKD1-related disorder. Also called: PKD1-related condition.

gnomAD v4.1: 1 of 1,609,814 alleles (0.000062%); highest among the groups gnomAD compares: South Asian, 0.0011%; no homozygotes.

Submission:

PreventionGenetics, part of Exact Sciences
Classification: Uncertain significance for PKD1-related condition. Last evaluated: 2024-07-03. Review status: no assertion criteria provided. Collection method: clinical testing. Allele origin: germline.
Comment: The PKD1 c.5024C>T variant is predicted to result in the amino acid substitution p.Ala1675Val. To our knowledge, this variant has not been reported in the literature. This variant is reported in 0.0033% of alleles in individuals of South Asian descent in gnomAD. The p.Ala1675 residue is weakly conserved and at this position is a valine (Val) in chicken and platypus. At this time, the clinical significance of this variant is uncertain due to the absence of conclusive functional and genetic evidence.

NM_001009944.3(PKD1):c.5024C>T (p.Ala1675Val)

Gene: PKD1 (polycystin 1, transient receptor potential channel interacting; minus strand). Cytogenetic location: 16p13.3.
Variant type: single nucleotide variant.
Coding change: c.5024C>T on transcript NM_001009944.3 (MANE Select); coding-DNA position 5024, C replaced by T.
Protein change: p.Ala1675Val; replaces alanine 1675 with valine.
Molecular consequence: missense variant.
Genome position (GRCh38, 1-based): chr16:2,110,143, G>A on the plus strand (C>T on the coding strand, the complement: PKD1 is on the minus strand). VCF-style: chr16-2110143-G-A. GRCh37 (hg19) VCF-style: chr16-2160144-G-A.
Other names: c.5024C>T, p.Ala1675Val (NM_000296.4); short protein forms A1675V.
Identifiers: ClinVar variation 3347311 (VCV003347311.1).
Genomic context (GRCh38, chr16:2,110,143, plus strand): 5'-ACATGGTAGGTGCCGGCCTCGAGCACGGTGAGCGAGAAGCCTTTGCCGCTGCCGGCCAGG[G>A]CCGGGCCCCTGTCCCTCCAGGCAGTCCAGCTGTAGGAGACGTTGGTGCCATCCCTAACCA-3'
Protein context (NP_001009944.3, residues 1665-1685): SWTAWRDRGP[Ala1675Val]LAGSGKGFSL